The following is an entry in ClinVar:

NM_002691.4(POLD1):c.1383+4del

Gene: POLD1 (DNA polymerase delta 1, catalytic subunit; plus strand). Cytogenetic location: 19q13.33.
Variant type: Deletion.
Coding change: c.1383+4del on transcript NM_002691.4 (MANE Select); 4 bases into the intron after coding-DNA position 1383, one base deleted (T; older notation c.1383+4delT).
Molecular consequence: intron variant.
Genome position (GRCh38, 1-based): chr19:50,406,326, T deleted. VCF-style (leftmost placement, unchanged base first): chr19-50406325-AT-A. GRCh37 (hg19) VCF-style: chr19-50909582-AT-A.
Other names: c.1383+4del (NM_001256849.1, NM_001308632.1); c.1383+4delT (NM_002691.2).
Identifiers: ClinVar variation 1095719 (VCV001095719.10), dbSNP rs2122322383, ClinGen allele CA2499225561.

ClinVar aggregate classification (germline): Conflicting classifications of pathogenicity. Review status: criteria provided, conflicting classifications (1 of 4 stars). 2 submissions from 2 submitters: Uncertain significance (1); Likely benign (1). Last evaluated 2025-12-11.

Conditions:
Hereditary cancer-predisposing syndrome. Also called: Hereditary neoplastic syndrome; Neoplastic Syndromes, Hereditary; Tumor predisposition; Hereditary Cancer Syndrome. Identifiers: Orphanet 140162, MedGen C0027672, MeSH D009386, MONDO:0015356.
POLD1-related polyposis and colorectal cancer syndrome (CRCS10). Also called: Colorectal cancer, susceptibility to, 10; Colorectal cancer 10; COLORECTAL CANCER, SUSCEPTIBILITY TO, ON CHROMOSOME 19q. Identifiers: Orphanet 220460, MedGen C2675481, MONDO:0012953, OMIM 612591.

Submissions (2):

Ambry Genetics
Classification: Uncertain significance for Hereditary cancer-predisposing syndrome. Last evaluated: 2025-12-11. Review status: criteria provided, single submitter. Criteria: Ambry Variant Classification Scheme 2023. Collection method: clinical testing. Allele origin: germline.
Comment: The c.1383+4delT intronic variant, located in intron 10 of the POLD1 gene, results from a deletion of one nucleotide within intron 10 of the POLD1 gene. This nucleotide position is poorly conserved in available vertebrate species. In silico splice site analysis predicts that this alteration will not have any significant effect on splicing. Based on the available evidence, the clinical significance of this variant remains unclear.

Labcorp Genetics (formerly Invitae), Labcorp
Classification: Likely benign for POLD1-related polyposis and colorectal cancer syndrome. Last evaluated: 2025-05-05. Review status: criteria provided, single submitter. Criteria: Invitae Variant Classification Sherloc (09022015). Collection method: clinical testing. Allele origin: germline.